The following is an entry in ClinVar:

NM_003737.4(DCHS1):c.3020T>G (p.Val1007Gly)

Gene: DCHS1 (dachsous cadherin-related 1; minus strand). Cytogenetic location: 11p15.4.
Variant type: single nucleotide variant.
Coding change: c.3020T>G on transcript NM_003737.4 (MANE Select); coding-DNA position 3020, T replaced by G.
Protein change: p.Val1007Gly; replaces valine 1007 with glycine.
Molecular consequence: missense variant.
Genome position (GRCh38, 1-based): chr11:6,632,492, A>C on the plus strand (T>G on the coding strand, the complement: DCHS1 is on the minus strand). VCF-style: chr11-6632492-A-C. GRCh37 (hg19) VCF-style: chr11-6653723-A-C.
Other names: short protein forms V1007G.
Identifiers: ClinVar variation 2783913 (VCV002783913.3), dbSNP rs768356725, ClinGen allele CA5860613.

ClinVar aggregate classification (germline): Uncertain significance (1 of 4 stars; one submission).

Allele frequency attached by ClinVar (database versions not stated): gnomAD exomes 0.00001; ExAC 0.00003.
gnomAD v4.1: 8 of 1,577,240 alleles (0.00051%); highest among the groups gnomAD compares: South Asian, 0.0082%; no homozygotes.

Submission:

Labcorp Genetics (formerly Invitae), Labcorp
Classification: Uncertain significance. Last evaluated: 2023-10-16. Review status: criteria provided, single submitter. Criteria: Invitae Variant Classification Sherloc (09022015). Collection method: clinical testing. Allele origin: germline.
Comment: This sequence change replaces valine, which is neutral and non-polar, with glycine, which is neutral and non-polar, at codon 1007 of the DCHS1 protein (p.Val1007Gly). This variant is present in population databases (rs768356725, gnomAD 0.01%). This variant has not been reported in the literature in individuals affected with DCHS1-related conditions. Advanced modeling of protein sequence and biophysical properties (such as structural, functional, and spatial information, amino acid conservation, physicochemical variation, residue mobility, and thermodynamic stability) performed at Invitae indicates that this missense variant is not expected to disrupt DCHS1 protein function. In summary, the available evidence is currently insufficient to determine the role of this variant in disease. Therefore, it has been classified as a Variant of Uncertain Significance.